The following is an entry in ClinVar:

NM_001100.4(ACTA1):c.727G>C (p.Glu243Gln)

Gene: ACTA1 (actin alpha 1, skeletal muscle; minus strand). Cytogenetic location: 1q42.13.
Variant type: single nucleotide variant.
Coding change: c.727G>C on transcript NM_001100.4 (MANE Select); coding-DNA position 727, G replaced by C.
Protein change: p.Glu243Gln; replaces glutamic acid 243 with glutamine.
Molecular consequence: missense variant.
Genome position (GRCh38, 1-based): chr1:229,432,075, C>G on the plus strand (G>C on the coding strand, the complement: ACTA1 is on the minus strand). VCF-style: chr1-229432075-C-G. GRCh37 (hg19) VCF-style: chr1-229567822-C-G.
Other names: short protein forms E243Q.
Identifiers: ClinVar variation 2805603 (VCV002805603.3), dbSNP rs367543051, ClinGen allele CA345146823.

ClinVar aggregate classification (germline): Uncertain significance (1 of 4 stars; one submission).

Conditions:
Actin accumulation myopathy (CMYO2A). Also called: Myopathy, actin, congenital, with cores; Nemaline myopathy type 3; Myopathy, actin, congenital, with excess of thin myofilaments; CONGENITAL MYOPATHY 2A, TYPICAL, AUTOSOMAL DOMINANT; Nemaline myopathy 3, with intranuclear rods. Identifiers: Orphanet 98904, MedGen C3711389, MONDO:0008070, OMIM 161800.

Submission:

Labcorp Genetics (formerly Invitae), Labcorp
Classification: Uncertain significance for Actin accumulation myopathy. Last evaluated: 2025-02-23. Review status: criteria provided, single submitter. Criteria: Invitae Variant Classification Sherloc (09022015). Collection method: clinical testing. Allele origin: germline.
Comment: This sequence change replaces glutamic acid, which is acidic and polar, with glutamine, which is neutral and polar, at codon 243 of the ACTA1 protein (p.Glu243Gln). This variant is not present in population databases (gnomAD no frequency). This variant has not been reported in the literature in individuals affected with ACTA1-related conditions. ClinVar contains an entry for this variant (Variation ID: 2805603). Invitae Evidence Modeling of protein sequence and biophysical properties (such as structural, functional, and spatial information, amino acid conservation, physicochemical variation, residue mobility, and thermodynamic stability) indicates that this missense variant is not expected to disrupt ACTA1 protein function with a negative predictive value of 80%. In summary, the available evidence is currently insufficient to determine the role of this variant in disease. Therefore, it has been classified as a Variant of Uncertain Significance.